The following is an entry in ClinVar:

NM_001972.4(ELANE):c.205del (p.Ala69fs)

Gene: ELANE (elastase, neutrophil expressed; plus strand). Cytogenetic location: 19p13.3.
Variant type: Deletion.
Coding change: c.205del on transcript NM_001972.4 (MANE Select); coding-DNA position 205, one base deleted (G; older notation c.205delG).
Protein change: p.Ala69fs; shifts the reading frame from alanine 69.
Molecular consequence: frameshift variant.
Genome position (GRCh38, 1-based): chr19:853,013, G deleted. VCF-style (leftmost placement, unchanged base first): chr19-853012-CG-C. GRCh37 (hg19) VCF-style: chr19-853012-CG-C.
Other names: short protein forms A69fs.
Identifiers: ClinVar variation 2078397 (VCV002078397.4), dbSNP rs1195157089, ClinGen allele CA631295719.

ClinVar aggregate classification (germline): Uncertain significance (1 of 4 stars; one submission).

Conditions:
Cyclical neutropenia. Also called: Cyclic hematopoiesis; Cyclic Neutropenia. Identifiers: Orphanet 2686, MedGen C0221023, MONDO:0008090, OMIM 162800, HP:0040289. Disease mechanism: loss of function.
Neutropenia, severe congenital, 1, autosomal dominant. Identifiers: MedGen C1859966, MONDO:0042490, OMIM 202700.

Allele frequency attached by ClinVar (database versions not stated): gnomAD exomes below 0.00001; gnomAD 0.00001; TOPMed 0.00001.

Submission:

Labcorp Genetics (formerly Invitae), Labcorp
Classification: Uncertain significance for Neutropenia, severe congenital, 1, autosomal dominant; Cyclical neutropenia. Last evaluated: 2023-08-19. Review status: criteria provided, single submitter. Criteria: Invitae Variant Classification Sherloc (09022015). Collection method: clinical testing. Allele origin: germline.
Comment: This variant is present in population databases (no rsID available, gnomAD 0.01%). This sequence change creates a premature translational stop signal (p.Ala69Argfs*7) in the ELANE gene. It is expected to result in an absent or disrupted protein product. However, the current clinical and genetic evidence is not sufficient to establish whether loss-of-function variants in ELANE cause disease. This variant has not been reported in the literature in individuals affected with ELANE-related conditions. In summary, the available evidence is currently insufficient to determine the role of this variant in disease. Therefore, it has been classified as a Variant of Uncertain Significance. ClinVar contains an entry for this variant (Variation ID: 2078397).